The following is an entry in ClinVar:

ClinVar aggregate classification (germline): Uncertain significance (1 of 4 stars; one submission).

Conditions:
Intellectual developmental disorder, autosomal dominant 46. Also called: MENTAL RETARDATION, AUTOSOMAL DOMINANT 46; Intellectual disability, autosomal dominant 46. Identifiers: MedGen C4539851, MONDO:0030911, OMIM 617601.

Submission:

3billion
Classification: Uncertain significance for Intellectual developmental disorder, autosomal dominant 46. Last evaluated: 2025-09-23. Review status: criteria provided, single submitter. Criteria: ACMG Guidelines, 2015. Collection method: clinical testing. Allele origin: germline. Affected: yes.
Comment: The variant is not observed in the gnomAD v4.1.0 dataset. Predicted Consequence/Location: Frameshift: predicted to result in a loss or disruption of normal protein function through protein truncation. The predicted truncated protein may be shortened by more than 10%. Therefore, this variant is classified as VUS according to the recommendation of ACMG/AMP guideline.

NM_019842.4(KCNQ5):c.2162del (p.Ser721fs)

Gene: KCNQ5 (potassium voltage-gated channel subfamily Q member 5; plus strand). Cytogenetic location: 6q13.
Variant type: Deletion.
Coding change: c.2162del on transcript NM_019842.4 (MANE Select); coding-DNA position 2162, one base deleted (G; older notation c.2162delG).
Protein change: p.Ser721fs; shifts the reading frame from serine 721.
Molecular consequence: frameshift variant.
Genome position (GRCh38, 1-based): chr6:73,194,777, G deleted. VCF-style (leftmost placement, unchanged base first): chr6-73194776-AG-A. GRCh37 (hg19) VCF-style: chr6-73904499-AG-A.
Other names: c.2135del, p.Ser712fs (NM_001160130.2); c.2192del, p.Ser731fs (NM_001160132.2); c.2219del, p.Ser740fs (NM_001160133.2); c.1832del, p.Ser611fs (NM_001160134.2); short protein forms S611fs, S712fs, S721fs, S731fs, S740fs.
Identifiers: ClinVar variation 4855033 (VCV004855033.1).